The following is an entry in ClinVar:

NM_000077.5(CDKN2A):c.419G>A (p.Ser140Asn)

Gene: CDKN2A (cyclin dependent kinase inhibitor 2A; minus strand). Cytogenetic location: 9p21.3.
Variant type: single nucleotide variant.
Coding change: c.419G>A on transcript NM_000077.5; coding-DNA position 419, G replaced by A.
Protein change: p.Ser140Asn; replaces serine 140 with asparagine.
Molecular consequence: missense variant (on NM_000077.6). On other transcripts: 3 prime UTR variant (2).
Genome position (GRCh38, 1-based): chr9:21,970,940, C>T on the plus strand (G>A on the coding strand, the complement: CDKN2A is on the minus strand). VCF-style: chr9-21970940-C-T. GRCh37 (hg19) VCF-style: chr9-21970939-C-T.
Other names: c.419G>A, p.Ser140Asn (NM_000077.6, NM_001195132.2); c.266G>A, p.Ser89Asn (NM_001363763.2); c.*63G>A (NM_058195.4); c.*342G>A (NM_058197.5); short protein forms S140N, S89N.
Identifiers: ClinVar variation 485512 (VCV000485512.7), dbSNP rs1554653893, ClinGen allele CA373085880.
Genomic context (GRCh38, chr9:21,970,940, plus strand): 5'-TTCTCAGATCATCAGTCCTCACCTGAGGGACCTTCCGCGGCATCTATGCGGGCATGGTTA[C>T]TGCCTCTGGTGCCCCCCGCAGCCGCGCGCAGGTACCGTGCGACATCGCGATGGCCCAGCT-3'
Protein context (NP_000068.1, residues 130-150): LRAAAGGTRG[Ser140Asn]NHARIDAAEG

ClinVar aggregate classification (germline): Uncertain significance. Review status: criteria provided, multiple submitters, no conflicts (2 of 4 stars). 2 submissions from 2 submitters: Uncertain significance (2). Last evaluated 2025-06-25.

Conditions:
Familial melanoma. Also called: Hereditary melanoma; Hereditary cutaneous melanoma. Identifiers: Orphanet 618, MedGen C1512419, MONDO:0018961.
Hereditary cancer-predisposing syndrome. Also called: Tumor predisposition; Hereditary Cancer Syndrome; Neoplastic Syndromes, Hereditary; Hereditary neoplastic syndrome. Identifiers: Orphanet 140162, MedGen C0027672, MeSH D009386, MONDO:0015356.

Submissions (2):

Labcorp Genetics (formerly Invitae), Labcorp
Classification: Uncertain significance for Familial melanoma. Last evaluated: 2025-06-25. Review status: criteria provided, single submitter. Criteria: Invitae Variant Classification Sherloc (09022015). Collection method: clinical testing. Allele origin: germline.
Comment: This sequence change replaces serine, which is neutral and polar, with asparagine, which is neutral and polar, at codon 140 of the CDKN2A (p16INK4a) protein (p.Ser140Asn). This variant is not present in population databases (gnomAD no frequency). This variant has not been reported in the literature in individuals affected with CDKN2A (p16INK4a)-related conditions. ClinVar contains an entry for this variant (Variation ID: 485512). An algorithm developed to predict the effect of missense changes on protein structure and function (PolyPhen-2) suggests that this variant is likely to be tolerated. In summary, the available evidence is currently insufficient to determine the role of this variant in disease. Therefore, it has been classified as a Variant of Uncertain Significance.

Ambry Genetics
Classification: Uncertain significance for Hereditary cancer-predisposing syndrome. Last evaluated: 2019-08-23. Review status: criteria provided, single submitter. Criteria: Ambry Variant Classification Scheme 2023. Collection method: clinical testing. Allele origin: germline.
Comment: The p.S140N variant (also known as c.419G>A), located in coding exon 2 of the CDKN2A gene, results from a G to A substitution at nucleotide position 419. The serine at codon 140 is replaced by asparagine, an amino acid with highly similar properties. This amino acid position is poorly conserved in available vertebrate species. In addition, this alteration is predicted to be tolerated by in silico analysis. Since supporting evidence is limited at this time, the clinical significance of this alteration remains unclear.